The following is an entry in ClinVar:

NM_032545.4(CFC1):c.588C>A (p.Pro196=)

Gene: CFC1 (cripto, FRL-1, cryptic family 1; minus strand). Cytogenetic location: 2q21.1.
Variant type: single nucleotide variant.
Coding change: c.588C>A on transcript NM_032545.4 (MANE Select); coding-DNA position 588, C replaced by A.
Protein change: p.Pro196=; no amino-acid change (proline 196 retained).
Molecular consequence: synonymous variant. On other transcripts: missense variant (1).
Genome position (GRCh38, 1-based): chr2:130,592,961, G>T on the plus strand (C>A on the coding strand, the complement: CFC1 is on the minus strand). VCF-style: chr2-130592961-G-T. GRCh37 (hg19) VCF-style: chr2-131350534-G-T.
Other names: p.P196P:CCC>CCA; c.473C>A, p.Pro158Gln (NM_001270420.2); c.363C>A, p.Pro121= (NM_001270421.2); short protein forms P158Q.
Identifiers: ClinVar variation 136736 (VCV000136736.4), dbSNP rs587780885, ClinGen allele CA290054.

ClinVar aggregate classification (germline): Benign. Review status: criteria provided, single submitter (1 of 4 stars). 3 submissions from 3 submitters: Benign (1). 2 of the submissions do not count toward it. Last evaluated 2013-01-16.

Allele frequency attached by ClinVar (database versions not stated): gnomAD 0.03574 and 0.04936.

Submissions (3):

GeneDx
Classification: Benign. Last evaluated: 2013-01-16. Review status: criteria provided, single submitter. Criteria: GeneDx Variant Classification (06012015). Collection method: clinical testing. Allele origin: germline. Affected: yes.
Comment: This variant is considered likely benign or benign based on one or more of the following criteria: it is a conservative change, it occurs at a poorly conserved position in the protein, it is predicted to be benign by multiple in silico algorithms, and/or has population frequency not consistent with disease.

Genome Diagnostics Laboratory, University Medical Center Utrecht
Classification: Likely benign. Review status: no assertion criteria provided. Collection method: clinical testing. Allele origin: germline. Affected: yes. Study: VKGL Data-share Consensus. Not counted in ClinVar's aggregate classification.

Joint Genome Diagnostic Labs from Nijmegen and Maastricht, Radboudumc and MUMC+
Classification: Likely benign. Review status: no assertion criteria provided. Collection method: clinical testing. Allele origin: germline. Affected: yes. Study: VKGL Data-share Consensus. Not counted in ClinVar's aggregate classification.